The following is an entry in ClinVar:

NM_004370.6(COL12A1):c.5945T>C (p.Val1982Ala)

Gene: COL12A1 (collagen type XII alpha 1 chain; minus strand). Cytogenetic location: 6q13.
Variant type: single nucleotide variant.
Coding change: c.5945T>C on transcript NM_004370.6 (MANE Select); coding-DNA position 5945, T replaced by C.
Protein change: p.Val1982Ala; replaces valine 1982 with alanine.
Molecular consequence: missense variant.
Genome position (GRCh38, 1-based): chr6:75,130,974, A>G on the plus strand (T>C on the coding strand, the complement: COL12A1 is on the minus strand). VCF-style: chr6-75130974-A-G. GRCh37 (hg19) VCF-style: chr6-75840690-A-G.
Other names: c.5945T>C, p.Val1982Ala (NM_001424113.1); c.5924T>C, p.Val1975Ala (NM_001424114.1); c.5672T>C, p.Val1891Ala (NM_001424115.1); c.2453T>C, p.Val818Ala (NM_001424116.1, NM_080645.3); short protein forms V1891A, V1975A, V1982A, V818A.
Identifiers: ClinVar variation 4687795 (VCV004687795.1).

ClinVar aggregate classification (germline): Uncertain significance (1 of 4 stars; one submission).

gnomAD v4.1: 4 of 1,614,028 alleles (0.00025%); highest among the groups gnomAD compares: African/African-American, 0.004%; no homozygotes.

Submission:

Women's Health and Genetics/Laboratory Corporation of America, LabCorp
Classification: Uncertain significance. Last evaluated: 2025-10-23. Review status: criteria provided, single submitter. Criteria: LabCorp Variant Classification Summary - May 2015. Collection method: clinical testing. Allele origin: germline.
Comment: Variant summary: COL12A1 c.5945T>C (p.Val1982Ala) results in a non-conservative amino acid change in the encoded protein sequence. Algorithms developed to predict the effect of missense changes on protein structure and function are either unavailable or do not agree on the potential impact of this missense change. The variant allele was found at a frequency of 4e-06 in 249434 control chromosomes. The available data on variant occurrences in the general population are insufficient to allow any conclusion about variant significance. To our knowledge, no occurrence of c.5945T>C in individuals affected with COL12A1-related conditions and no experimental evidence demonstrating its impact on protein function have been reported. No submitters have cited clinical-significance assessments for this variant to ClinVar. Based on the evidence outlined above, the variant was classified as uncertain significance.